The following is an entry in ClinVar:

ClinVar aggregate classification (germline): Uncertain significance (1 of 4 stars; one submission).

Conditions:
Mosaic variegated aneuploidy syndrome 1 (MVA1). Also called: Warburton-Anyane-Yeboa syndrome. Identifiers: Orphanet 1052, MedGen C1850343, MONDO:0009759, OMIM 257300.

Allele frequency attached by ClinVar (database versions not stated): ExAC 0.00001; gnomAD exomes 0.00001.
gnomAD v4.1: 3 of 1,614,170 alleles (0.00019%); highest among the groups gnomAD compares: Non-Finnish European, 0.00025%; no homozygotes.

Submission:

Labcorp Genetics (formerly Invitae), Labcorp
Classification: Uncertain significance for Mosaic variegated aneuploidy syndrome 1. Last evaluated: 2022-05-27. Review status: criteria provided, single submitter. Criteria: Invitae Variant Classification Sherloc (09022015). Collection method: clinical testing. Allele origin: germline.
Comment: In summary, the available evidence is currently insufficient to determine the role of this variant in disease. Therefore, it has been classified as a Variant of Uncertain Significance. Algorithms developed to predict the effect of missense changes on protein structure and function (SIFT, PolyPhen-2, Align-GVGD) all suggest that this variant is likely to be tolerated. ClinVar contains an entry for this variant (Variation ID: 1055801). This variant has not been reported in the literature in individuals affected with BUB1B-related conditions. This variant is present in population databases (rs765505645, gnomAD 0.0009%). This sequence change replaces serine, which is neutral and polar, with threonine, which is neutral and polar, at codon 633 of the BUB1B protein (p.Ser633Thr).

NM_001211.6(BUB1B):c.1897T>A (p.Ser633Thr)

Gene: BUB1B (BUB1 mitotic checkpoint serine/threonine kinase B; plus strand). Cytogenetic location: 15q15.1.
Variant type: single nucleotide variant.
Coding change: c.1897T>A on transcript NM_001211.6 (MANE Select); coding-DNA position 1897, T replaced by A.
Protein change: p.Ser633Thr; replaces serine 633 with threonine.
Molecular consequence: missense variant.
Genome position (GRCh38, 1-based): chr15:40,206,346, T>A. VCF-style: chr15-40206346-T-A. GRCh37 (hg19) VCF-style: chr15-40498547-T-A.
Other names: short protein forms S633T.
Identifiers: ClinVar variation 1055801 (VCV001055801.9), dbSNP rs765505645, ClinGen allele CA7475898.